The following is an entry in ClinVar:

ClinVar aggregate classification (germline): Uncertain significance (1 of 4 stars; one submission).

Conditions:
ABL1-related disorder. Also called: ABL1-related condition.

Submission:

PreventionGenetics, part of Exact Sciences
Classification: Uncertain significance for ABL1-related condition. Last evaluated: 2025-01-27. Review status: criteria provided, single submitter. Criteria: ACMG Guidelines, 2015. Collection method: clinical testing. Allele origin: germline.
Comment: The ABL1 c.410C>G variant is predicted to result in the amino acid substitution p.Pro137Arg. To our knowledge, this variant has not been reported in the literature or in a large population database (gnomAD), indicating this variant is rare. At this time, the clinical significance of this variant is uncertain due to the absence of conclusive functional and genetic evidence.

NM_005157.6(ABL1):c.353C>G (p.Pro118Arg)

Gene: ABL1 (ABL proto-oncogene 1, non-receptor tyrosine kinase; plus strand). Cytogenetic location: 9q34.12.
Variant type: single nucleotide variant.
Coding change: c.353C>G on transcript NM_005157.6 (MANE Select); coding-DNA position 353, C replaced by G.
Protein change: p.Pro118Arg; replaces proline 118 with arginine.
Molecular consequence: missense variant.
Genome position (GRCh38, 1-based): chr9:130,854,900, C>G. VCF-style: chr9-130854900-C-G. GRCh37 (hg19) VCF-style: chr9-133730287-C-G.
Other names: c.410C>G, p.Pro137Arg (NM_007313.3); short protein forms P118R, P137R.
Identifiers: ClinVar variation 4985086 (VCV004985086.1).